The following is an entry in ClinVar:

NM_000503.6(EYA1):c.203C>G (p.Ala68Gly)

Gene: EYA1 (EYA transcriptional coactivator and phosphatase 1; minus strand). Cytogenetic location: 8q13.3.
Variant type: single nucleotide variant.
Coding change: c.203C>G on transcript NM_000503.6 (MANE Select); coding-DNA position 203, C replaced by G.
Protein change: p.Ala68Gly; replaces alanine 68 with glycine.
Molecular consequence: missense variant. On other transcripts: 5 prime UTR variant (1).
Genome position (GRCh38, 1-based): chr8:71,322,268, G>C on the plus strand (C>G on the coding strand, the complement: EYA1 is on the minus strand). VCF-style: chr8-71322268-G-C. GRCh37 (hg19) VCF-style: chr8-72234503-G-C.
Other names: c.203C>G, p.Ala68Gly (NM_001288574.2, NM_001370334.1, NM_001370335.1 and 1 more transcripts); c.-82C>G (NM_001288575.2); c.290C>G, p.Ala97Gly (NM_001370333.1, NM_001370336.1, NM_172059.5); short protein forms A68G, A97G.
Identifiers: ClinVar variation 930754 (VCV000930754.3), dbSNP rs1822657436, ClinGen allele CA371469089.

ClinVar aggregate classification (germline): Uncertain significance (1 of 4 stars; one submission).

Conditions:
Otofaciocervical syndrome 1 (OTFCS). Identifiers: MedGen C3714941, MONDO:0024532, OMIM 166780.

Submission:

Centre for Mendelian Genomics, University Medical Centre Ljubljana
Classification: Uncertain significance for Otofaciocervical syndrome 1. Last evaluated: 2019-08-14. Review status: criteria provided, single submitter. Criteria: ACMG Guidelines, 2015. Collection method: clinical testing. Allele origin: unknown. Affected: yes.
Comment: This variant was classified as: Uncertain significance. The available evidence on this variant's pathogenicity is insufficient or conflicting. The following ACMG criteria were applied in classifying this variant: PM2.